The following is an entry in ClinVar:

NM_138409.4(MRAP2):c.201G>A (p.Leu67=)

Gene: MRAP2 (melanocortin 2 receptor accessory protein 2; plus strand). Cytogenetic location: 6q14.2.
Variant type: single nucleotide variant.
Coding change: c.201G>A on transcript NM_138409.4 (MANE Select); coding-DNA position 201, G replaced by A.
Protein change: p.Leu67=; no amino-acid change (leucine 67 retained).
Molecular consequence: synonymous variant. On other transcripts: 5 prime UTR variant (1), intron variant (1).
Genome position (GRCh38, 1-based): chr6:84,062,966, G>A. VCF-style: chr6-84062966-G-A. GRCh37 (hg19) VCF-style: chr6-84772685-G-A.
Other names: c.201G>A, p.Leu67= (NM_001346542.2, NM_001346544.2); c.-59G>A (NM_001346543.2); c.-32+7521G>A (NM_001346541.2).
Identifiers: ClinVar variation 5002002 (VCV005002002.1).

ClinVar aggregate classification (germline): Likely benign (1 of 4 stars; one submission).

Conditions:
MRAP2-related disorder. Also called: MRAP2-related condition.

Submission:

PreventionGenetics, part of Exact Sciences
Classification: Likely benign for MRAP2-related condition. Last evaluated: 2025-03-26. Review status: criteria provided, single submitter. Criteria: ACMG Guidelines, 2015. Collection method: clinical testing. Allele origin: germline.
Comment: This variant is classified as likely benign based on ACMG/AMP sequence variant interpretation guidelines (Richards et al. 2015 PMID: 25741868, with internal and published modifications).